The following is an entry in ClinVar:

ClinVar aggregate classification (germline): Uncertain significance (1 of 4 stars; one submission).

gnomAD v4.1: 63 of 1,598,888 alleles (0.0039%); highest among the groups gnomAD compares: African/African-American, 0.069%; no homozygotes.

Submission:

GeneDx
Classification: Uncertain significance. Last evaluated: 2026-02-22. Review status: criteria provided, single submitter. Criteria: GeneDx Variant Classification Process June 2021. Collection method: clinical testing. Allele origin: germline.
Comment: Canonical splice site variant with an unclear effect on protein function; Has not been previously published as pathogenic or benign to our knowledge; Reported using an alternate transcript of the gene

NM_001367479.1(DNAH14):c.651+95A>G

Gene: DNAH14 (dynein axonemal heavy chain 14; plus strand). Cytogenetic location: 1q42.12.
Variant type: single nucleotide variant.
Coding change: c.651+95A>G on transcript NM_001367479.1 (MANE Select); 95 bases into the intron after coding-DNA position 651, A replaced by G.
Molecular consequence: intron variant. On other transcripts: splice acceptor variant (1).
Genome position (GRCh38, 1-based): chr1:224,967,678, A>G. VCF-style: chr1-224967678-A-G. GRCh37 (hg19) VCF-style: chr1-225155380-A-G.
Other names: c.652-2A>G (NM_144989.3); c.651+95A>G (NM_001145154.3, NM_001367481.1); c.582+164A>G (NM_001349911.2); c.501+95A>G (NM_001349912.2).
Identifiers: ClinVar variation 4891321 (VCV004891321.1).